The following is an entry in ClinVar:

ClinVar aggregate classification (germline): Conflicting classifications of pathogenicity. Review status: criteria provided, conflicting classifications (1 of 4 stars). 3 submissions from 3 submitters: Uncertain significance (2); Likely benign (1). Last evaluated 2025-07-30.

Conditions:
Hereditary cancer-predisposing syndrome. Also called: Hereditary neoplastic syndrome; Tumor predisposition; Hereditary Cancer Syndrome; Neoplastic Syndromes, Hereditary. Identifiers: Orphanet 140162, MedGen C0027672, MeSH D009386, MONDO:0015356.
Hereditary breast ovarian cancer syndrome. Also called: BRCA1- and BRCA2-Associated Hereditary Breast and Ovarian Cancer; Hereditary breast and ovarian cancer syndrome (HBOC); Hereditary breast and/or ovarian cancer syndrome; Hereditary breast and ovarian cancer syndrome; Hereditary breast and ovarian cancer; Breast and ovarian cancer. Identifiers: Orphanet 145, MedGen C0677776, MeSH D061325, MONDO:0003582. Disease mechanism: loss of function.

Submissions (3):

Labcorp Genetics (formerly Invitae), Labcorp
Classification: Uncertain significance for Hereditary breast ovarian cancer syndrome. Last evaluated: 2025-07-30. Review status: criteria provided, single submitter. Criteria: Invitae Variant Classification Sherloc (09022015). Collection method: clinical testing. Allele origin: germline.
Comment: This sequence change replaces valine, which is neutral and non-polar, with glutamic acid, which is acidic and polar, at codon 2079 of the BRCA2 protein (p.Val2079Glu). This variant is not present in population databases (gnomAD no frequency). This variant has not been reported in the literature in individuals affected with BRCA2-related conditions. ClinVar contains an entry for this variant (Variation ID: 221125). Invitae Evidence Modeling of protein sequence and biophysical properties (such as structural, functional, and spatial information, amino acid conservation, physicochemical variation, residue mobility, and thermodynamic stability) indicates that this missense variant is not expected to disrupt BRCA2 protein function with a negative predictive value of 95%. In summary, the available evidence is currently insufficient to determine the role of this variant in disease. Therefore, it has been classified as a Variant of Uncertain Significance.

Ambry Genetics
Classification: Uncertain significance for Hereditary cancer-predisposing syndrome. Last evaluated: 2025-01-30. Review status: criteria provided, single submitter. Criteria: Ambry Variant Classification Scheme 2023. Collection method: clinical testing. Allele origin: germline.
Comment: The p.V2079E variant (also known as c.6236T>A), located in coding exon 10 of the BRCA2 gene, results from a T to A substitution at nucleotide position 6236. The valine at codon 2079 is replaced by glutamic acid, an amino acid with dissimilar properties. This amino acid position is poorly conserved in available vertebrate species. In addition, the in silico prediction for this alteration is inconclusive. Since supporting evidence is limited at this time, the clinical significance of this alteration remains unclear.

University of Washington Department of Laboratory Medicine, University of Washington
Classification: Likely benign for Hereditary cancer-predisposing syndrome. Last evaluated: 2023-03-23. Review status: criteria provided, single submitter. Criteria: Dines et al. (Genet Med. 2020). Collection method: curation. Allele origin: germline.
Comment: Missense variant in a coldspot region where missense variants are very unlikely to be pathogenic (PMID:31911673).

BRCA2 exon 11 coldspot. Reclassification based on statistical prior probability.

NM_000059.4(BRCA2):c.6236T>A (p.Val2079Glu)

Gene: BRCA2 (BRCA2 DNA repair associated; plus strand). Cytogenetic location: 13q13.1.
Variant type: single nucleotide variant.
Coding change: c.6236T>A on transcript NM_000059.4 (MANE Select); coding-DNA position 6236, T replaced by A.
Protein change: p.Val2079Glu; replaces valine 2079 with glutamic acid.
Molecular consequence: missense variant.
Genome position (GRCh38, 1-based): chr13:32,340,591, T>A. VCF-style: chr13-32340591-T-A. GRCh37 (hg19) VCF-style: chr13-32914728-T-A.
Other names: short protein forms V2079E.
Identifiers: ClinVar variation 221125 (VCV000221125.15), dbSNP rs864622757, ClinGen allele CA350080.